The following is an entry in ClinVar:

ClinVar aggregate classification (germline): Uncertain significance. Review status: criteria provided, multiple submitters, no conflicts (2 of 4 stars). 2 submissions from 2 submitters: Uncertain significance (2). Last evaluated 2025-12-01.

Allele frequency attached by ClinVar (database versions not stated): ExAC 0.00002; TOPMed 0.00002; gnomAD 0.00003; gnomAD exomes 0.00003.
gnomAD v4.1: 43 of 1,614,046 alleles (0.0027%); highest among the groups gnomAD compares: East Asian, 0.0067%; no homozygotes.

Submissions (2):

Labcorp Genetics (formerly Invitae), Labcorp
Classification: Uncertain significance. Last evaluated: 2025-12-01. Review status: criteria provided, single submitter. Criteria: Invitae Variant Classification Sherloc (09022015). Collection method: clinical testing. Allele origin: germline.
Comment: This sequence change replaces arginine, which is basic and polar, with histidine, which is basic and polar, at codon 424 of the PITPNM3 protein (p.Arg424His). The frequency data for this variant in the population databases is considered unreliable, as metrics indicate poor data quality at this position in the gnomAD database. This variant has not been reported in the literature in individuals affected with PITPNM3-related conditions. ClinVar contains an entry for this variant (Variation ID: 2543853). Invitae Evidence Modeling of protein sequence and biophysical properties (such as structural, functional, and spatial information, amino acid conservation, physicochemical variation, residue mobility, and thermodynamic stability) indicates that this missense variant is not expected to disrupt PITPNM3 protein function with a negative predictive value of 80%. In summary, the available evidence is currently insufficient to determine the role of this variant in disease. Therefore, it has been classified as a Variant of Uncertain Significance.

Ambry Genetics
Classification: Uncertain significance. Last evaluated: 2025-11-24. Review status: criteria provided, single submitter. Criteria: Ambry Variant Classification Scheme 2023. Collection method: clinical testing. Allele origin: germline.

NM_031220.4(PITPNM3):c.1271G>A (p.Arg424His)

Gene: PITPNM3 (PITPNM family member 3; minus strand). Cytogenetic location: 17p13.2.
Variant type: single nucleotide variant.
Coding change: c.1271G>A on transcript NM_031220.4 (MANE Select); coding-DNA position 1271, G replaced by A.
Protein change: p.Arg424His; replaces arginine 424 with histidine.
Molecular consequence: missense variant.
Genome position (GRCh38, 1-based): chr17:6,472,815, C>T on the plus strand (G>A on the coding strand, the complement: PITPNM3 is on the minus strand). VCF-style: chr17-6472815-C-T. GRCh37 (hg19) VCF-style: chr17-6376135-C-T.
Other names: c.1163G>A, p.Arg388His (NM_001165966.2); short protein forms R388H, R424H.
Identifiers: ClinVar variation 2543853 (VCV002543853.4), dbSNP rs763242349, ClinGen allele CA8329542.
Genomic context (GRCh38, chr17:6,472,815, plus strand): 5'-AGCCGTGAGGCAGAGGGGTCTGCGCAATGGAAGAAGCTGTAGACCTGGCTGCAGGCAGGA[C>T]GCACCTGGAAGCCTGGGGTGAGTGGGAAGACAGAGGGAAGCCACTTTCTAGTACCTGCTC-3'
Protein context (NP_112497.2, residues 414-434): VLPGLDGFQV[Arg424His]PACSQVYSFF